The following is an entry in ClinVar:

ClinVar aggregate classification (germline): Uncertain significance (1 of 4 stars; one submission).

Conditions:
Inborn genetic diseases. Identifiers: MedGen C0950123, MeSH D030342.

Allele frequency attached by ClinVar (database versions not stated): gnomAD exomes below 0.00001.
gnomAD v4.1: 1 of 1,210,235 alleles (0.000083%); highest among the groups gnomAD compares: Admixed American, 0.0022%; no homozygotes.

Submission:

Ambry Genetics
Classification: Uncertain significance for Inborn genetic diseases. Last evaluated: 2022-01-27. Review status: criteria provided, single submitter. Criteria: Ambry Variant Classification Scheme 2023. Collection method: clinical testing. Allele origin: germline.
Comment: The c.6620A>G (p.N2207S) alteration is located in exon 49 (coding exon 46) of the HUWE1 gene. This alteration results from an A to G substitution at nucleotide position 6620, causing the asparagine (N) at amino acid position 2207 to be replaced by a serine (S). Based on data from gnomAD, the G allele has an overall frequency of 0.0011% (2/181734) total alleles studied, with no hemizygotes observed. The highest observed frequency was 0.0037% (1/27329) of Latino alleles. This amino acid position is highly conserved in available vertebrate species. This alteration is predicted to be tolerated by in silico analysis. Based on insufficient or conflicting evidence, the clinical significance of this alteration remains unclear.

NM_031407.7(HUWE1):c.6620A>G (p.Asn2207Ser)

Gene: HUWE1 (HECT, UBA and WWE domain containing E3 ubiquitin protein ligase 1; minus strand). Cytogenetic location: Xp11.22.
Variant type: single nucleotide variant.
Coding change: c.6620A>G on transcript NM_031407.7 (MANE Select); coding-DNA position 6620, A replaced by G.
Protein change: p.Asn2207Ser; replaces asparagine 2207 with serine.
Molecular consequence: missense variant.
Genome position (GRCh38, 1-based): chrX:53,568,779, T>C on the plus strand (A>G on the coding strand, the complement: HUWE1 is on the minus strand). VCF-style: chrX-53568779-T-C. GRCh37 (hg19) VCF-style: chrX-53595739-T-C.
Other names: short protein forms N2207S.
Identifiers: ClinVar variation 2269082 (VCV002269082.2), dbSNP rs1556947967, ClinGen allele CA413163582.
Genomic context (GRCh38, chrX:53,568,779, plus strand): 5'-CTGGCCAGGTCATTAACCAGTCCCTTCTTCAGGAAAAGCCGAATGATGTTGTTCATGCCA[T>C]TGTGCTGGGTCTTCGCTGTGGCACTGCTGTAGAAGCTGGAGGTGGAGGGGCAGGACTCCA-3'
Protein context (NP_113584.3, residues 2197-2217): YSSATAKTQH[Asn2207Ser]GMNNIIRLFL